The following is an entry in ClinVar:

ClinVar aggregate classification (germline): Benign/Likely benign. Review status: criteria provided, multiple submitters, no conflicts (2 of 4 stars). 4 submissions from 4 submitters: Benign (1); Likely benign (3). Last evaluated 2024-03-21.

Conditions:
Hereditary cancer-predisposing syndrome. Also called: Hereditary Cancer Syndrome; Neoplastic Syndromes, Hereditary; Hereditary neoplastic syndrome; Tumor predisposition. Identifiers: Orphanet 140162, MedGen C0027672, MeSH D009386, MONDO:0015356.
Familial adenomatous polyposis 1 (FAP1). Also called: FAMILIAL ADENOMATOUS POLYPOSIS 1, ATTENUATED; POLYPOSIS, ADENOMATOUS INTESTINAL. Identifiers: MedGen C2713442, MONDO:0021056, OMIM 175100. Disease mechanism: loss of function.

gnomAD v4.1: 4 of 1,614,192 alleles (0.00025%); highest among the groups gnomAD compares: Non-Finnish European, 0.00025%; no homozygotes.

Submissions (4):

Myriad Genetics, Inc.
Classification: Benign for Familial adenomatous polyposis 1. Last evaluated: 2024-03-21. Review status: criteria provided, single submitter. Criteria: Myriad Autosomal Dominant, Autosomal Recessive and X-Linked Classification Criteria (2023). Collection method: clinical testing. Allele origin: unknown.
Comment: This variant is considered benign. This variant is a silent/synonymous amino acid change and it is not expected to impact splicing.

Labcorp Genetics (formerly Invitae), Labcorp
Classification: Likely benign for Familial adenomatous polyposis 1. Last evaluated: 2023-12-23. Review status: criteria provided, single submitter. Criteria: Invitae Variant Classification Sherloc (09022015). Collection method: clinical testing. Allele origin: germline.

Color Diagnostics, LLC DBA Color Health
Classification: Likely benign for Hereditary cancer-predisposing syndrome. Last evaluated: 2016-11-28. Review status: criteria provided, single submitter. Criteria: ACMG Guidelines, 2015. Collection method: clinical testing. Allele origin: germline.

Ambry Genetics
Classification: Likely benign for Hereditary cancer-predisposing syndrome. Last evaluated: 2016-05-24. Review status: criteria provided, single submitter. Criteria: Ambry Variant Classification Scheme 2023. Collection method: clinical testing. Allele origin: germline.

NM_000038.6(APC):c.3666A>T (p.Ser1222=)

Gene: APC (APC regulator of Wnt signaling pathway; plus strand). Cytogenetic location: 5q22.2.
Variant type: single nucleotide variant.
Coding change: c.3666A>T on transcript NM_000038.6 (MANE Select); coding-DNA position 3666, A replaced by T.
Protein change: p.Ser1222=; no amino-acid change (serine 1222 retained).
Molecular consequence: synonymous variant.
Genome position (GRCh38, 1-based): chr5:112,839,260, A>T. VCF-style: chr5-112839260-A-T. GRCh37 (hg19) VCF-style: chr5-112174957-A-T.
Other names: c.3288A>T, p.Ser1096= (NM_001354904.2); c.3186A>T, p.Ser1062= (NM_001354905.2); c.2817A>T, p.Ser939= (NM_001354906.2); c.3666A>T, p.Ser1222= (NM_001127510.3, NM_001354895.2); c.3612A>T, p.Ser1204= (NM_001127511.3); c.3720A>T, p.Ser1240= (NM_001354896.2); c.3696A>T, p.Ser1232= (NM_001354897.2); c.3591A>T, p.Ser1197= (NM_001354898.2); and 5 more.
Identifiers: ClinVar variation 429054 (VCV000429054.55), dbSNP rs1131691141, ClinGen allele CA445963834.